The following is an entry in ClinVar:

NM_000363.5(TNNI3):c.76dup (p.Tyr26fs)

Gene: TNNI3 (troponin I3, cardiac type; minus strand). Cytogenetic location: 19q13.42.
Variant type: Duplication.
Coding change: c.76dup on transcript NM_000363.5 (MANE Select); coding-DNA position 76, one base duplicated (T; older notation c.76dupT).
Protein change: p.Tyr26fs; shifts the reading frame from tyrosine 26.
Molecular consequence: frameshift variant.
Genome position (GRCh38, 1-based): chr19:55,157,082, A duplicated on the plus strand (T on the coding strand, the reverse complement: TNNI3 is on the minus strand). VCF-style (leftmost placement, unchanged base first): chr19-55157081-T-TA. GRCh37 (hg19) VCF-style: chr19-55668449-T-TA.
Other names: short protein forms Y26fs.
Identifiers: ClinVar variation 3074991 (VCV003074991.1), dbSNP rs2515503725, ClinGen allele CA2576892759.

ClinVar aggregate classification (germline): Uncertain significance (1 of 4 stars; one submission).

Conditions:
Hypertrophic cardiomyopathy. Also called: HYPERTROPHIC MYOCARDIOPATHY. Identifiers: Orphanet 217569, MedGen C0007194, MeSH D002312, MONDO:0005045, HP:0001639.

Submission:

All of Us Research Program, National Institutes of Health
Classification: Uncertain significance for Hypertrophic cardiomyopathy. Last evaluated: 2024-01-11. Review status: criteria provided, single submitter. Criteria: ACMG Guidelines, 2015. Collection method: clinical testing. Allele origin: germline. Inheritance: Autosomal dominant inheritance. Observed: 1 variant allele, 1 heterozygote.
Comment: This study involves interpretation of variants in research participants for the purpose of population health screening. Participant phenotype was not available at the time of variant classification. Additional details can be found in publication PMID: 35346344, PMCID: PMC8962531